The following is an entry in ClinVar:

NM_000487.6(ARSA):c.1157G>C (p.Arg386Pro)

Gene: ARSA (arylsulfatase A; minus strand). Cytogenetic location: 22q13.33.
Variant type: single nucleotide variant.
Coding change: c.1157G>C on transcript NM_000487.6 (MANE Select); coding-DNA position 1157, G replaced by C.
Protein change: p.Arg386Pro; replaces arginine 386 with proline.
Molecular consequence: missense variant.
Genome position (GRCh38, 1-based): chr22:50,625,632, C>G on the plus strand (G>C on the coding strand, the complement: ARSA is on the minus strand). VCF-style: chr22-50625632-C-G. GRCh37 (hg19) VCF-style: chr22-51064060-C-G.
Other names: c.1157G>C, p.Arg386Pro (NM_001085425.3, NM_001085426.3, NM_001085427.3); c.899G>C, p.Arg300Pro (NM_001085428.3, NM_001362782.2); short protein forms R300P, R386P.
Identifiers: ClinVar variation 663921 (VCV000663921.7), dbSNP rs747155690, ClinGen allele CA412170200.

ClinVar aggregate classification (germline): Uncertain significance. Review status: criteria provided, multiple submitters, no conflicts (2 of 4 stars). 2 submissions from 2 submitters: Uncertain significance (2). Last evaluated 2025-01-03.

Conditions:
Metachromatic leukodystrophy (MLD). Also called: SULFATIDE LIPIDOSIS; ARSA DEFICIENCY; CEREBROSIDE SULFATASE DEFICIENCY; METACHROMATIC LEUKOENCEPHALOPATHY; Arylsulfatase A Deficiency; Cerebral sclerosis diffuse metachromatic form. Identifiers: Orphanet 512, MedGen C0023522, MONDO:0018868, OMIM 250100.

Submissions (2):

Revvity Omics, Revvity
Classification: Uncertain significance for Metachromatic leukodystrophy. Last evaluated: 2025-01-03. Review status: criteria provided, single submitter. Criteria: ACMG Guidelines, 2015. Collection method: clinical testing. Allele origin: germline.

Labcorp Genetics (formerly Invitae), Labcorp
Classification: Uncertain significance for Metachromatic leukodystrophy. Last evaluated: 2021-08-31. Review status: criteria provided, single submitter. Criteria: Invitae Variant Classification Sherloc (09022015). Collection method: clinical testing. Allele origin: germline.
Comment: This sequence change replaces arginine with proline at codon 386 of the ARSA protein (p.Arg386Pro). The arginine residue is weakly conserved and there is a moderate physicochemical difference between arginine and proline. This variant is not present in population databases (ExAC no frequency). This variant has not been reported in the literature in individuals affected with ARSA-related conditions. Algorithms developed to predict the effect of missense changes on protein structure and function (SIFT, PolyPhen-2, Align-GVGD) all suggest that this variant is likely to be tolerated. In summary, the available evidence is currently insufficient to determine the role of this variant in disease. Therefore, it has been classified as a Variant of Uncertain Significance.